The following is an entry in ClinVar:

NM_018089.3(ANKZF1):c.1116_1119del (p.Lys374fs)

Gene: ANKZF1 (ankyrin repeat and zinc finger peptidyl tRNA hydrolase 1; plus strand). Cytogenetic location: 2q35.
Variant type: Microsatellite.
Coding change: c.1116_1119del on transcript NM_018089.3 (MANE Select); coding-DNA positions 1116 to 1119, 4 bases deleted (GAGA; older notation c.1116_1119delGAGA).
Protein change: p.Lys374fs; shifts the reading frame from lysine 374.
Molecular consequence: frameshift variant.
Genome position (GRCh38, 1-based): chr2:219,234,200-219,234,203, GAGA deleted; deleting any 4 consecutive bases within chr2:219,234,198-219,234,203 gives the same sequence; the c. name uses the placement nearest the transcript's 3' end. VCF-style (leftmost placement, unchanged base first): chr2-219234197-GGAGA-G. GRCh37 (hg19) VCF-style: chr2-220098919-GGAGA-G.
Other names: c.1116_1119del, p.Lys374fs (NM_001042410.2); c.486_489del, p.Lys164fs (NM_001282792.2); short protein forms K374fs, K164fs.
Identifiers: ClinVar variation 3685415 (VCV003685415.2).

ClinVar aggregate classification (germline): Uncertain significance (1 of 4 stars; one submission).

Submission:

Labcorp Genetics (formerly Invitae), Labcorp
Classification: Uncertain significance. Last evaluated: 2025-10-16. Review status: criteria provided, single submitter. Criteria: Invitae Variant Classification Sherloc (09022015). Collection method: clinical testing. Allele origin: germline.
Comment: This sequence change creates a premature translational stop signal (p.Lys374Serfs*7) in the ANKZF1 gene. It is expected to result in an absent or disrupted protein product. However, the current clinical and genetic evidence is not sufficient to establish whether loss-of-function variants in ANKZF1 cause disease. This variant is not present in population databases (gnomAD no frequency). This variant has not been reported in the literature in individuals affected with ANKZF1-related conditions. In summary, the available evidence is currently insufficient to determine the role of this variant in disease. Therefore, it has been classified as a Variant of Uncertain Significance.